The following is an entry in ClinVar:

ClinVar aggregate classification (germline): Benign/Likely benign. Review status: criteria provided, multiple submitters, no conflicts (2 of 4 stars). 7 submissions from 7 submitters: Benign (4); Likely benign (1). 2 of the submissions do not count toward it. Last evaluated 2026-02-03.

Conditions:
Maturity-onset diabetes of the young type 7 (MODY7). Identifiers: Orphanet 552, MedGen C1864839, MONDO:0012513, OMIM 610508.
Type 2 diabetes mellitus. Also called: Type II diabetes mellitus. Identifiers: MedGen C0011860, MeSH D003924, MONDO:0005148, OMIM 125853, HP:0005978.

Allele frequency attached by ClinVar (database versions not stated): 1000 Genomes Project 30x 0.05731; 1000 Genomes Project 0.05791; gnomAD 0.08662 and 0.08880; TOPMed 0.08850; gnomAD exomes 0.09258 and 0.11044; ExAC 0.09261; ESP Exome Variant Server 0.09480.
gnomAD v4.1: 174,289 of 1,614,130 alleles (11%); highest among the groups gnomAD compares: Middle Eastern, 14%; 10,225 homozygotes.

Submissions (7):

Labcorp Genetics (formerly Invitae), Labcorp
Classification: Benign. Last evaluated: 2026-02-03. Review status: criteria provided, single submitter. Criteria: Invitae Variant Classification Sherloc (09022015). Collection method: clinical testing. Allele origin: germline.

Blueprint Genetics
Classification: Benign. Last evaluated: 2024-11-26. Review status: criteria provided, single submitter. Criteria: ACMG Guidelines, 2015. Collection method: clinical testing. Allele origin: germline.

Illumina Laboratory Services, Illumina
Classification: Likely benign for Maturity-onset diabetes of the young type 7. Last evaluated: 2017-04-27. Review status: criteria provided, single submitter. Criteria: ICSL Variant Classification Criteria 13 December 2019. Collection method: clinical testing. Allele origin: germline.
Comment: This variant was observed as part of a predisposition screen in an ostensibly healthy population. A literature search was performed for the gene, cDNA change, and amino acid change (where applicable). No publications were found based on this search. Allele frequency data from public databases allowed determination this variant is unlikely to cause disease. Therefore, this variant is classified as likely benign.

GeneDx
Classification: Benign. Last evaluated: 2015-03-03. Review status: criteria provided, single submitter. Criteria: GeneDx Variant Classification Process June 2021. Collection method: clinical testing. Allele origin: germline. Affected: yes.
Comment: This variant is associated with the following publications: (PMID: 15774581)

PreventionGenetics, part of Exact Sciences
Classification: Benign. Review status: criteria provided, single submitter. Criteria: ACMG Guidelines, 2015. Collection method: clinical testing. Allele origin: germline.

Genetic Services Laboratory, University of Chicago
Classification: Likely benign for AllHighlyPenetrant. Review status: no assertion criteria provided. Collection method: clinical testing. Allele origin: germline. Inheritance: Autosomal dominant inheritance. Not counted in ClinVar's aggregate classification.
Comment: Likely benign based on allele frequency in 1000 Genomes Project or ESP global frequency and its presence in a patient with a rare or unrelated disease phenotype. NOT Sanger confirmed.

Clinical Genomics, Uppaluri K&H Personalized Medicine Clinic
Classification: Likely risk allele for Type 2 diabetes mellitus. Review status: flagged submission. Criteria: K & H Uppaluri Personalized Medicine Clinic Variant Classification & Assertion Criteria_Updated V.1. Collection method: research. Allele origin: somatic. Inheritance: Autosomal dominant inheritance. Affected: yes. Not counted in ClinVar's aggregate classification.
Comment: KLF11 gene mutations are associated with MODY, however it needs further validation via clinical studies. This particular variant (rs35927125) of KLF11 gene can trigger Type II Diabetes Mellitus. However, more studies are required in different ethnic groups to ascertain its significance.
ClinVar note: Reason: Outlier claim with insufficient supporting evidence

Literature cited by the submitters: PubMed 18199129 (cited by Clinical Genomics, Uppaluri K&H Personalized Medicine Clinic); PubMed 15774581 (cited by Clinical Genomics, Uppaluri K&H Personalized Medicine Clinic); PubMed 34393998 (cited by Clinical Genomics, Uppaluri K&H Personalized Medicine Clinic).

NM_003597.5(KLF11):c.185A>G (p.Gln62Arg)

Gene: KLF11 (KLF transcription factor 11; plus strand). Cytogenetic location: 2p25.1.
Variant type: single nucleotide variant.
Coding change: c.185A>G on transcript NM_003597.5 (MANE Select); coding-DNA position 185, A replaced by G.
Protein change: p.Gln62Arg; replaces glutamine 62 with arginine.
Molecular consequence: missense variant.
Genome position (GRCh38, 1-based): chr2:10,046,292, A>G. VCF-style: chr2-10046292-A-G. GRCh37 (hg19) VCF-style: chr2-10186419-A-G.
Other names: c.134A>G, p.Gln45Arg (NM_001177716.2, NM_001177718.2); short protein forms Q62R, Q45R.
Identifiers: ClinVar variation 129431 (VCV000129431.22), dbSNP rs35927125, ClinGen allele CA153422.
Genomic context (GRCh38, chr2:10,046,292, plus strand): 5'-AGACAGACATGGAAGCTGTCGAGGCTCTTGTTTGTATGAGCTCCTGGGGTCAAAGATCCC[A>G]GAAAGGTGACCTGTTGCGGATAAGACCCCTCACGCCTGTCTCTGACTCTGGGGATGTCAC-3'
Protein context (NP_003588.1, residues 52-72): VCMSSWGQRS[Gln62Arg]KGDLLRIRPL